The following is an entry in ClinVar:

ClinVar aggregate classification (germline): Uncertain significance. Review status: criteria provided, multiple submitters, no conflicts (2 of 4 stars). 8 submissions from 7 submitters: Uncertain significance (8). Last evaluated 2025-06-07.

Conditions:
Inborn genetic diseases. Identifiers: MedGen C0950123, MeSH D030342.
Dilated cardiomyopathy 1L (CMD1L). Identifiers: Orphanet 154, MedGen C1847667, MONDO:0011702, OMIM 606685.
Autosomal recessive limb-girdle muscular dystrophy type 2F (LGMDR6). Also called: MUSCULAR DYSTROPHY, LIMB-GIRDLE, AUTOSOMAL RECESSIVE 6; Muscular dystrophy limb-girdle with delta-sarcoglyan deficiency. Identifiers: Orphanet 219, MedGen C1832525, MONDO:0011028, OMIM 601287. Disease mechanism: Affects gamma-sarcoglycan and also disrupts the integrity of the entire sarcoglycan complex..

Allele frequency attached by ClinVar (database versions not stated): ESP Exome Variant Server 0.00016; gnomAD exomes 0.00005 and 0.00014; gnomAD 0.00011 and 0.00013; TOPMed 0.00012; ExAC 0.00013.
gnomAD v4.1: 90 of 1,613,068 alleles (0.0056%); highest among the groups gnomAD compares: Admixed American, 0.05%; no homozygotes.

Submissions (8):

Ambry Genetics
Classification: Uncertain significance for Inborn genetic diseases. Last evaluated: 2025-06-07. Review status: criteria provided, single submitter. Criteria: Ambry Variant Classification Scheme 2023. Collection method: clinical testing. Allele origin: germline.

Labcorp Genetics (formerly Invitae), Labcorp
Classification: Uncertain significance for Autosomal recessive limb-girdle muscular dystrophy type 2F. Last evaluated: 2025-01-01. Review status: criteria provided, single submitter. Criteria: Invitae Variant Classification Sherloc (09022015). Collection method: clinical testing. Allele origin: germline.
Comment: This sequence change replaces threonine, which is neutral and polar, with methionine, which is neutral and non-polar, at codon 252 of the SGCD protein (p.Thr252Met). This variant is present in population databases (rs199520526, gnomAD 0.06%). This variant has not been reported in the literature in individuals affected with SGCD-related conditions. ClinVar contains an entry for this variant (Variation ID: 202089). Invitae Evidence Modeling of protein sequence and biophysical properties (such as structural, functional, and spatial information, amino acid conservation, physicochemical variation, residue mobility, and thermodynamic stability) indicates that this missense variant is not expected to disrupt SGCD protein function with a negative predictive value of 80%. In summary, the available evidence is currently insufficient to determine the role of this variant in disease. Therefore, it has been classified as a Variant of Uncertain Significance.

Revvity Omics, Revvity
Classification: Uncertain significance. Last evaluated: 2023-12-20. Review status: criteria provided, single submitter. Criteria: ACMG Guidelines, 2015. Collection method: clinical testing. Allele origin: germline.

Genome-Nilou Lab
Classification: Uncertain significance for Autosomal recessive limb-girdle muscular dystrophy type 2F. Last evaluated: 2023-02-08. Review status: criteria provided, single submitter. Criteria: ACMG Guidelines, 2015. Collection method: clinical testing. Allele origin: germline.

Genome-Nilou Lab
Classification: Uncertain significance for Dilated cardiomyopathy 1L. Last evaluated: 2023-02-08. Review status: criteria provided, single submitter. Criteria: ACMG Guidelines, 2015. Collection method: clinical testing. Allele origin: germline.

Fulgent Genetics
Classification: Uncertain significance for Autosomal recessive limb-girdle muscular dystrophy type 2F; Dilated cardiomyopathy 1L. Last evaluated: 2021-08-11. Review status: criteria provided, single submitter. Criteria: ACMG Guidelines, 2015. Collection method: clinical testing. Allele origin: unknown.

GeneDx
Classification: Uncertain significance. Last evaluated: 2019-12-03. Review status: criteria provided, single submitter. Criteria: GeneDx Variant Classification Process June 2021. Collection method: clinical testing. Allele origin: germline. Affected: yes.
Comment: In silico analysis, which includes protein predictors and evolutionary conservation, supports that this variant does not alter protein structure/function; Has not been previously published as pathogenic or benign to our knowledge

Eurofins Ntd Llc (ga)
Classification: Uncertain significance. Last evaluated: 2017-01-04. Review status: criteria provided, single submitter. Criteria: EGL Classification Definitions 2015. Collection method: clinical testing. Allele origin: germline. Observed: 1 variant allele, 1 heterozygote.

NM_000337.6(SGCD):c.755C>T (p.Thr252Met)

Gene: SGCD (sarcoglycan delta; plus strand). Cytogenetic location: 5q33.3.
Variant type: single nucleotide variant.
Coding change: c.755C>T on transcript NM_000337.6 (MANE Select); coding-DNA position 755, C replaced by T.
Protein change: p.Thr252Met; replaces threonine 252 with methionine.
Molecular consequence: missense variant.
Genome position (GRCh38, 1-based): chr5:156,759,272, C>T. VCF-style: chr5-156759272-C-T. GRCh37 (hg19) VCF-style: chr5-156186283-C-T.
Other names: p.T252M:ACG>ATG; c.752C>T, p.Thr251Met (NM_001128209.2); short protein forms T252M, T251M.
Identifiers: ClinVar variation 202089 (VCV000202089.19), dbSNP rs199520526, ClinGen allele CA308791.